The following is an entry in ClinVar:

ClinVar aggregate classification (germline): Uncertain significance (1 of 4 stars; one submission).

gnomAD v4.1: 6 of 1,520,836 alleles (0.00039%); highest among the groups gnomAD compares: South Asian, 0.0073%; no homozygotes.

Submission:

Labcorp Genetics (formerly Invitae), Labcorp
Classification: Uncertain significance. Last evaluated: 2022-05-20. Review status: criteria provided, single submitter. Criteria: Invitae Variant Classification Sherloc (09022015). Collection method: clinical testing. Allele origin: germline.
Comment: In summary, the available evidence is currently insufficient to determine the role of this variant in disease. Therefore, it has been classified as a Variant of Uncertain Significance. Algorithms developed to predict the effect of missense changes on protein structure and function are either unavailable or do not agree on the potential impact of this missense change (SIFT: "Deleterious"; PolyPhen-2: "Not Available"; Align-GVGD: "Class C0"). This variant has not been reported in the literature in individuals affected with DSCAML1-related conditions. The frequency data for this variant in the population databases is considered unreliable, as metrics indicate poor data quality at this position in the gnomAD database. This sequence change replaces glycine, which is neutral and non-polar, with valine, which is neutral and non-polar, at codon 19 of the DSCAML1 protein (p.Gly19Val).

NM_020693.4(DSCAML1):c.-125G>T

Gene: DSCAML1 (DS cell adhesion molecule like 1; minus strand). Cytogenetic location: 11q23.3.
Variant type: single nucleotide variant.
Coding change: c.-125G>T on transcript NM_020693.4 (MANE Select); 125 bases upstream of the start codon, G replaced by T.
Molecular consequence: 5 prime UTR variant. On other transcripts: intron variant (1).
Genome position (GRCh38, 1-based): chr11:117,797,204, C>A on the plus strand (G>T on the coding strand, the complement: DSCAML1 is on the minus strand). VCF-style: chr11-117797204-C-A. GRCh37 (hg19) VCF-style: chr11-117667919-C-A.
Other names: c.-125G>T (NM_001367904.1); c.-362-16394G>T (NM_001367905.1).
Identifiers: ClinVar variation 1938522 (VCV001938522.5), dbSNP rs1348036418, ClinGen allele CA382762469.